The following is an entry in ClinVar:

NM_001939.3(DRP2):c.1430A>G (p.Asn477Ser)

Gene: DRP2 (dystrophin related protein 2; plus strand). Cytogenetic location: Xq22.1.
Variant type: single nucleotide variant.
Coding change: c.1430A>G on transcript NM_001939.3 (MANE Select); coding-DNA position 1430, A replaced by G.
Protein change: p.Asn477Ser; replaces asparagine 477 with serine.
Molecular consequence: missense variant.
Genome position (GRCh38, 1-based): chrX:101,248,266, A>G. VCF-style: chrX-101248266-A-G. GRCh37 (hg19) VCF-style: chrX-100503255-A-G.
Other names: c.1196A>G, p.Asn399Ser (NM_001171184.2); short protein forms N477S, N399S.
Identifiers: ClinVar variation 1914251 (VCV001914251.5), dbSNP rs1311921392, ClinGen allele CA413926653.

ClinVar aggregate classification (germline): Uncertain significance (1 of 4 stars; one submission).

Allele frequency attached by ClinVar (database versions not stated): gnomAD exomes below 0.00001; TOPMed below 0.00001; gnomAD 0.00001.
gnomAD v4.1: 3 of 1,209,360 alleles (0.00025%); highest among the groups gnomAD compares: Non-Finnish European, 0.00022%; no homozygotes.

Submission:

Labcorp Genetics (formerly Invitae), Labcorp
Classification: Uncertain significance. Last evaluated: 2021-12-21. Review status: criteria provided, single submitter. Criteria: Invitae Variant Classification Sherloc (09022015). Collection method: clinical testing. Allele origin: germline.
Comment: In summary, the available evidence is currently insufficient to determine the role of this variant in disease. Therefore, it has been classified as a Variant of Uncertain Significance. Algorithms developed to predict the effect of missense changes on protein structure and function (SIFT, PolyPhen-2, Align-GVGD) all suggest that this variant is likely to be disruptive. This variant has not been reported in the literature in individuals affected with DRP2-related conditions. This variant is not present in population databases (gnomAD no frequency). This sequence change replaces asparagine, which is neutral and polar, with serine, which is neutral and polar, at codon 477 of the DRP2 protein (p.Asn477Ser).